The following is an entry in ClinVar:

ClinVar aggregate classification (germline): Likely benign. Review status: criteria provided, multiple submitters, no conflicts (2 of 4 stars). 11 submissions from 11 submitters: Likely benign (8). 3 of the submissions do not count toward it. Last evaluated 2026-01-12.

Conditions:
Cardiovascular phenotype. Identifiers: MedGen CN230736.
Arrhythmogenic right ventricular dysplasia 12. Also called: ARRHYTHMOGENIC RIGHT VENTRICULAR DYSPLASIA, FAMILIAL, 12. Identifiers: MedGen C1969081, MONDO:0012684, OMIM 611528.
Naxos disease (NXD). Also called: KERATOSIS PALMOPLANTARIS WITH ARRHYTHMOGENIC CARDIOMYOPATHY; MAL DE NAXOS; PALMOPLANTAR KERATODERMA WITH ARRHYTHMOGENIC RIGHT VENTRICULAR CARDIOMYOPATHY AND WOOLLY HAIR; WOOLLY HAIR, PALMOPLANTAR KERATODERMA, AND CARDIAC ABNORMALITIES; CARDIOMYOPATHY, ARRHYTHMOGENIC RIGHT VENTRICULAR, WITH SKIN, HAIR, AND NAIL ABNORMALITIES. Identifiers: Orphanet 34217, MedGen C1832600, MONDO:0011017, OMIM 601214.

Allele frequency attached by ClinVar (database versions not stated): ESP Exome Variant Server 0.00008; gnomAD 0.00029; 1000 Genomes Project 30x 0.00031; TOPMed 0.00032; 1000 Genomes Project 0.00040.
gnomAD v4.1: 118 of 1,611,898 alleles (0.0073%); highest among the groups gnomAD compares: African/African-American, 0.11%; no homozygotes.

Submissions (11):

Labcorp Genetics (formerly Invitae), Labcorp
Classification: Likely benign for Arrhythmogenic right ventricular dysplasia 12; Naxos disease. Last evaluated: 2026-01-12. Review status: criteria provided, single submitter. Criteria: Invitae Variant Classification Sherloc (09022015). Collection method: clinical testing. Allele origin: germline.

Molecular Diagnostic Laboratory for Inherited Cardiovascular Disease, Montreal Heart Institute
Classification: Likely benign. Last evaluated: 2025-04-09. Review status: criteria provided, single submitter. Criteria: ACMG Guidelines, 2015. Collection method: clinical testing. Allele origin: germline. Affected: no.

ARUP Laboratories, Molecular Genetics and Genomics, ARUP Laboratories
Classification: Likely benign. Last evaluated: 2024-06-21. Review status: criteria provided, single submitter. Criteria: ARUP Molecular Germline Variant Investigation Process 2024. Collection method: clinical testing. Allele origin: germline.

Blueprint Genetics
Classification: Likely benign. Last evaluated: 2024-04-22. Review status: criteria provided, single submitter. Criteria: ACMG Guidelines, 2015. Collection method: clinical testing. Allele origin: germline.

Fulgent Genetics
Classification: Likely benign for Naxos disease; Arrhythmogenic right ventricular dysplasia 12. Last evaluated: 2021-10-13. Review status: criteria provided, single submitter. Criteria: ACMG Guidelines, 2015. Collection method: clinical testing. Allele origin: unknown.

GeneDx
Classification: Likely benign. Last evaluated: 2020-09-24. Review status: criteria provided, single submitter. Criteria: GeneDx Variant Classification Process June 2021. Collection method: clinical testing. Allele origin: germline. Affected: yes.

Ambry Genetics
Classification: Likely benign for Cardiovascular phenotype. Last evaluated: 2019-04-27. Review status: criteria provided, single submitter. Criteria: Ambry Variant Classification Scheme 2023. Collection method: clinical testing. Allele origin: germline.

Laboratory for Molecular Medicine, Mass General Brigham Personalized Medicine
Classification: Likely benign. Last evaluated: 2015-03-04. Review status: criteria provided, single submitter. Criteria: LMM Criteria. Collection method: clinical testing. Allele origin: germline. Observed: 1 variant allele.
Comment: p.Asp153Asp in exon 3 of JUP: This variant is not expected to have clinical sign ificance because it does not alter an amino acid residue and is not located with in the splice consensus sequence. It has been identified in 5/7406 African chrom osomes by the Exome Aggregation Consortium (ExAC ; dbSNP rs376289528).

Clinical Genetics DNA and cytogenetics Diagnostics Lab, Erasmus MC, Erasmus Medical Center
Classification: Likely benign. Review status: no assertion criteria provided. Collection method: clinical testing. Allele origin: germline. Affected: yes. Study: VKGL Data-share Consensus. Not counted in ClinVar's aggregate classification.

Clinical Genetics, Academic Medical Center
Classification: Benign. Review status: no assertion criteria provided. Collection method: clinical testing. Allele origin: germline. Affected: yes. Study: VKGL Data-share Consensus. Not counted in ClinVar's aggregate classification.

Joint Genome Diagnostic Labs from Nijmegen and Maastricht, Radboudumc and MUMC+
Classification: Likely benign. Review status: no assertion criteria provided. Collection method: clinical testing. Allele origin: germline. Affected: yes. Study: VKGL Data-share Consensus. Not counted in ClinVar's aggregate classification.

NM_002230.4(JUP):c.459C>T (p.Asp153=)

Gene: JUP (junction plakoglobin; minus strand). Cytogenetic location: 17q21.2.
Variant type: single nucleotide variant.
Coding change: c.459C>T on transcript NM_002230.4 (MANE Select); coding-DNA position 459, C replaced by T.
Protein change: p.Asp153=; no amino-acid change (aspartic acid 153 retained).
Molecular consequence: synonymous variant.
Genome position (GRCh38, 1-based): chr17:41,769,427, G>A on the plus strand (C>T on the coding strand, the complement: JUP is on the minus strand). VCF-style: chr17-41769427-G-A. GRCh37 (hg19) VCF-style: chr17-39925679-G-A.
Other names: c.459C>T (NM_002230.3); c.459C>T, p.Asp153= (NM_001352773.2, NM_001352774.2, NM_001352775.2 and 3 more transcripts).
Identifiers: ClinVar variation 227450 (VCV000227450.26), dbSNP rs376289528, ClinGen allele CA8565491.